The following is an entry in ClinVar:

ClinVar aggregate classification (germline): Uncertain significance (1 of 4 stars; one submission).

Conditions:
Catecholaminergic polymorphic ventricular tachycardia 1. Also called: VENTRICULAR TACHYCARDIA, STRESS-INDUCED POLYMORPHIC 1; VENTRICULAR TACHYCARDIA, CATECHOLAMINERGIC POLYMORPHIC, 1, WITH OR WITHOUT ATRIAL DYSFUNCTION AND/OR DILATED CARDIOMYOPATHY; RYR2-Related Catecholaminergic Polymorphic Ventricular Tachycardia. Identifiers: Orphanet 3286, MedGen C1631597, MONDO:0011484, OMIM 604772.

Submission:

Labcorp Genetics (formerly Invitae), Labcorp
Classification: Uncertain significance for Catecholaminergic polymorphic ventricular tachycardia 1. Last evaluated: 2025-03-19. Review status: criteria provided, single submitter. Criteria: Invitae Variant Classification Sherloc (09022015). Collection method: clinical testing. Allele origin: germline.
Comment: This sequence change replaces tyrosine, which is neutral and polar, with phenylalanine, which is neutral and non-polar, at codon 4939 of the RYR2 protein (p.Tyr4939Phe). This variant is not present in population databases (gnomAD no frequency). This variant has not been reported in the literature in individuals affected with RYR2-related conditions. Invitae Evidence Modeling of protein sequence and biophysical properties (such as structural, functional, and spatial information, amino acid conservation, physicochemical variation, residue mobility, and thermodynamic stability) indicates that this missense variant is expected to disrupt RYR2 protein function with a positive predictive value of 95%. In summary, the available evidence is currently insufficient to determine the role of this variant in disease. Therefore, it has been classified as a Variant of Uncertain Significance.

NM_001035.3(RYR2):c.14816A>T (p.Tyr4939Phe)

Gene: RYR2 (ryanodine receptor 2; plus strand). Cytogenetic location: 1q43.
Variant type: single nucleotide variant.
Coding change: c.14816A>T on transcript NM_001035.3 (MANE Select); coding-DNA position 14816, A replaced by T.
Protein change: p.Tyr4939Phe; replaces tyrosine 4939 with phenylalanine.
Molecular consequence: missense variant.
Genome position (GRCh38, 1-based): chr1:237,832,559, A>T. VCF-style: chr1-237832559-A-T. GRCh37 (hg19) VCF-style: chr1-237995859-A-T.
Other names: short protein forms Y4939F.
Identifiers: ClinVar variation 4811633 (VCV004811633.1).